The following is an entry in ClinVar:

NM_003482.4(KMT2D):c.6392C>A (p.Thr2131Asn)

Gene: KMT2D (lysine methyltransferase 2D; minus strand). Cytogenetic location: 12q13.12.
Variant type: single nucleotide variant.
Coding change: c.6392C>A on transcript NM_003482.4 (MANE Select); coding-DNA position 6392, C replaced by A.
Protein change: p.Thr2131Asn; replaces threonine 2131 with asparagine.
Molecular consequence: missense variant.
Genome position (GRCh38, 1-based): chr12:49,041,378, G>T on the plus strand (C>A on the coding strand, the complement: KMT2D is on the minus strand). VCF-style: chr12-49041378-G-T. GRCh37 (hg19) VCF-style: chr12-49435161-G-T.
Other names: short protein forms T2131N.
Identifiers: ClinVar variation 134687 (VCV000134687.14), dbSNP rs587778463, ClinGen allele CA160539.
Genomic context (GRCh38, chr12:49,041,378, plus strand): 5'-GGCACCGAGCCCGCCGGCGGCTTCAGGAACCCGTCCGCAGAGGTAGACAAGCCGGCGGGG[G>T]TAGTGGGGCTGCCAATGAAAATGGTGGGGGCAGCAGCGGGGGGCGGGCTGCCCAGTGCCC-3'
Protein context (NP_003473.3, residues 2121-2141): APTIFIGSPT[Thr2131Asn]PAGLSTSADG

ClinVar aggregate classification (germline): Conflicting classifications of pathogenicity. Review status: criteria provided, conflicting classifications (1 of 4 stars). 7 submissions from 7 submitters: Uncertain significance (2); Likely benign (3). 2 of the submissions do not count toward it. Last evaluated 2025-07-13.

Conditions:
KMT2D-related disorder. Also called: KMT2D-Related Disorders.
Inborn genetic diseases. Identifiers: MedGen C0950123, MeSH D030342.
Kabuki syndrome 1 (KABUK1). Also called: KMT2D-Related Kabuki Syndrome. Identifiers: Orphanet 2322, MedGen CN030661, MONDO:0007843, OMIM 147920.
Choanal atresia-athelia-hypothyroidism-delayed puberty-short stature syndrome (BCAHH). Also called: BRANCHIAL ARCH ABNORMALITIES, CHOANAL ATRESIA, ATHELIA, HEARING LOSS, AND HYPOTHYROIDISM SYNDROME. Identifiers: Orphanet 589856, MedGen C5680310, MONDO:0035651, OMIM 620186.
Kabuki syndrome. Also called: NIIKAWA-KUROKI SYNDROME; Kabuki make-up syndrome. Identifiers: Orphanet 2322, MedGen C0796004, MONDO:0016512.

Allele frequency attached by ClinVar (database versions not stated): ExAC 0.00004; TOPMed 0.00004; gnomAD 0.00009.
gnomAD v4.1: 21 of 1,598,326 alleles (0.0013%); highest among the groups gnomAD compares: African/African-American, 0.028%; 1 homozygote.

Submissions (7):

Labcorp Genetics (formerly Invitae), Labcorp
Classification: Likely benign for Kabuki syndrome. Last evaluated: 2025-07-13. Review status: criteria provided, single submitter. Criteria: Invitae Variant Classification Sherloc (09022015). Collection method: clinical testing. Allele origin: germline.

ARUP Laboratories, Molecular Genetics and Genomics, ARUP Laboratories
Classification: Uncertain significance. Last evaluated: 2025-07-08. Review status: criteria provided, single submitter. Criteria: ARUP Molecular Germline Variant Investigation Process 2024. Collection method: clinical testing. Allele origin: germline.
Comment: The KMT2D c.6392C>A; p.Thr2131Asn variant (rs587778463), to our knowledge, is not reported in the medical literature but is reported in ClinVar (Variation ID: 134687). This variant is found in the African/African-American population with an allele frequency of 0.04% (8/22,164 alleles) in the Genome Aggregation Database (v2.1.1). Computational analyses are uncertain whether this variant is neutral or deleterious (REVEL: 0.348). While the high population frequency suggests that this is likely a benign variant, given the lack of clinical and functional data, the significance of this variant is uncertain at this time.

Ambry Genetics
Classification: Likely benign for Inborn genetic diseases. Last evaluated: 2024-03-25. Review status: criteria provided, single submitter. Criteria: Ambry Variant Classification Scheme 2023. Collection method: clinical testing. Allele origin: germline.

Fulgent Genetics
Classification: Likely benign for Kabuki syndrome 1; Choanal atresia-athelia-hypothyroidism-delayed puberty-short stature syndrome. Last evaluated: 2024-02-28. Review status: criteria provided, single submitter. Criteria: ACMG Guidelines, 2015. Collection method: clinical testing. Allele origin: germline.

New York Genome Center
Classification: Uncertain significance for Kabuki syndrome 1. Last evaluated: 2020-04-30. Review status: criteria provided, single submitter. Criteria: NYGC Assertion Criteria 2020. Collection method: clinical testing. Allele origin: germline. Observed: 1 heterozygote. Study: CSER-NYCKidSeq.

PreventionGenetics, part of Exact Sciences
Classification: Likely benign for KMT2D-related condition. Last evaluated: 2023-11-01. Review status: no assertion criteria provided. Collection method: clinical testing. Allele origin: germline. Not counted in ClinVar's aggregate classification.
Comment: This variant is classified as likely benign based on ACMG/AMP sequence variant interpretation guidelines (Richards et al. 2015 PMID: 25741868, with internal and published modifications).

ITMI
No classification provided. Condition: AllHighlyPenetrant. Last evaluated: 2013-09-19. Review status: no classification provided. Collection method: reference population. Allele origin: germline. Not counted in ClinVar's aggregate classification.
Comment: Please see associated publication for description of ethnicities

Literature cited by the submitters: PubMed 24728327 (cited by ITMI).